The following is an entry in ClinVar:

ClinVar aggregate classification (germline): Uncertain significance. Review status: criteria provided, multiple submitters, no conflicts (2 of 4 stars). 2 submissions from 2 submitters: Uncertain significance (2). Last evaluated 2023-12-05.

Conditions:
Familial cancer of breast. Also called: BREAST CANCER, FAMILIAL; Hereditary breast cancer; hereditary breast carcinoma. Identifiers: Orphanet 227535, MedGen C0346153, MONDO:0016419, OMIM 114480. Disease mechanism: loss of function.
Fanconi anemia complementation group J. Also called: BRIP1-Related Fanconi Anemia. Identifiers: Orphanet 84, MedGen C1836860, MONDO:0012187, OMIM 609054.
Hereditary cancer-predisposing syndrome. Also called: Tumor predisposition; Neoplastic Syndromes, Hereditary; Hereditary Cancer Syndrome; Hereditary neoplastic syndrome. Identifiers: Orphanet 140162, MedGen C0027672, MeSH D009386, MONDO:0015356.

Allele frequency attached by ClinVar (database versions not stated): gnomAD exomes below 0.00001; TOPMed below 0.00001.
gnomAD v4.1: 1 of 1,614,022 alleles (0.000062%); highest among the groups gnomAD compares: Non-Finnish European, 0.000085%; no homozygotes.

Submissions (2):

Color Diagnostics, LLC DBA Color Health
Classification: Uncertain significance for Hereditary cancer-predisposing syndrome. Last evaluated: 2023-12-05. Review status: criteria provided, single submitter. Criteria: ACMG Guidelines, 2015. Collection method: clinical testing. Allele origin: germline.
Comment: This missense variant replaces cysteine with tryptophan at codon 948 of the BRIP1 protein. Computational prediction suggests that this variant may not impact protein structure and function (internally defined REVEL score threshold <= 0.5, PMID: 27666373). To our knowledge, functional studies have not been reported for this variant. This variant has not been reported in individuals affected with BRIP1-related disorders in the literature. This variant has not been identified in the general population by the Genome Aggregation Database (gnomAD). The available evidence is insufficient to determine the role of this variant in disease conclusively. Therefore, this variant is classified as a Variant of Uncertain Significance.

Labcorp Genetics (formerly Invitae), Labcorp
Classification: Uncertain significance for Familial cancer of breast; Fanconi anemia complementation group J. Last evaluated: 2022-04-08. Review status: criteria provided, single submitter. Criteria: Invitae Variant Classification Sherloc (09022015). Collection method: clinical testing. Allele origin: germline.
Comment: This variant is not present in population databases (gnomAD no frequency). This variant has not been reported in the literature in individuals affected with BRIP1-related conditions. ClinVar contains an entry for this variant (Variation ID: 629135). Algorithms developed to predict the effect of missense changes on protein structure and function are either unavailable or do not agree on the potential impact of this missense change (SIFT: "Tolerated"; PolyPhen-2: "Possibly Damaging"; Align-GVGD: "Class C0"). In summary, the available evidence is currently insufficient to determine the role of this variant in disease. Therefore, it has been classified as a Variant of Uncertain Significance. This sequence change replaces cysteine, which is neutral and slightly polar, with tryptophan, which is neutral and slightly polar, at codon 948 of the BRIP1 protein (p.Cys948Trp).

NM_032043.3(BRIP1):c.2844T>G (p.Cys948Trp)

Gene: BRIP1 (BRCA1 interacting DNA helicase 1; minus strand). Cytogenetic location: 17q23.2.
Variant type: single nucleotide variant.
Coding change: c.2844T>G on transcript NM_032043.3 (MANE Select); coding-DNA position 2844, T replaced by G.
Protein change: p.Cys948Trp; replaces cysteine 948 with tryptophan.
Molecular consequence: missense variant.
Genome position (GRCh38, 1-based): chr17:61,685,897, A>C on the plus strand (T>G on the coding strand, the complement: BRIP1 is on the minus strand). VCF-style: chr17-61685897-A-C. GRCh37 (hg19) VCF-style: chr17-59763258-A-C.
Other names: short protein forms C948W.
Identifiers: ClinVar variation 629135 (VCV000629135.16), dbSNP rs1567731150, ClinGen allele CA400481350.
Genomic context (GRCh38, chr17:61,685,897, plus strand): 5'-TTTCTCCTTTCTGGAGATAATGCTACTTGGTAGAGGTGAATTTTTGGTAATAATTTTAGG[A>C]CACTGTAGTTCCTGGACACATATCTTTGCTTCATCTTCCACAAAATTTTCTGGTGATAGA-3'
Protein context (NP_114432.2, residues 938-958): EAKICVQELQ[Cys948Trp]PKIITKNSPL